The following is an entry in ClinVar:

NM_001852.4(COL9A2):c.363+20G>A

Gene: COL9A2 (collagen type IX alpha 2 chain; minus strand). Cytogenetic location: 1p34.2.
Variant type: single nucleotide variant.
Coding change: c.363+20G>A on transcript NM_001852.4 (MANE Select); 20 bases into the intron after coding-DNA position 363, G replaced by A.
Molecular consequence: intron variant.
Genome position (GRCh38, 1-based): chr1:40,312,436, C>T on the plus strand (G>A on the coding strand, the complement: COL9A2 is on the minus strand). VCF-style: chr1-40312436-C-T. GRCh37 (hg19) VCF-style: chr1-40778108-C-T.
Identifiers: ClinVar variation 388138 (VCV000388138.13), dbSNP rs140071740, ClinGen allele CA791982.

ClinVar aggregate classification (germline): Benign/Likely benign. Review status: criteria provided, multiple submitters, no conflicts (2 of 4 stars). 5 submissions from 5 submitters: Benign (2); Likely benign (3). Last evaluated 2026-05-11.

Allele frequency attached by ClinVar (database versions not stated): ESP Exome Variant Server 0.00400; TOPMed 0.00402; 1000 Genomes Project 30x 0.00406; ExAC 0.00736; gnomAD 0.00434 and 0.00486; gnomAD exomes 0.00643 and 0.00717; 1000 Genomes Project 0.00479.
gnomAD v4.1: 11,201 of 1,612,578 alleles (0.69%); highest among the groups gnomAD compares: South Asian, 1.7%; 56 homozygotes.

Submissions (5):

Women's Health and Genetics/Laboratory Corporation of America, LabCorp
Classification: Benign. Last evaluated: 2026-05-11. Review status: criteria provided, single submitter. Criteria: LabCorp Variant Classification Summary - May 2015. Collection method: clinical testing. Allele origin: germline.

Labcorp Genetics (formerly Invitae), Labcorp
Classification: Benign. Last evaluated: 2026-02-03. Review status: criteria provided, single submitter. Criteria: Invitae Variant Classification Sherloc (09022015). Collection method: clinical testing. Allele origin: germline.

Genomic Medicine Center of Excellence, King Faisal Specialist Hospital and Research Centre
Classification: Likely benign. Last evaluated: 2025-08-18. Review status: criteria provided, single submitter. Criteria: ACMG Guidelines, 2015. Collection method: clinical testing. Allele origin: germline.

GeneDx
Classification: Likely benign. Last evaluated: 2017-11-21. Review status: criteria provided, single submitter. Criteria: GeneDx Variant Classification (06012015). Collection method: clinical testing. Allele origin: germline. Affected: yes.
Comment: This variant is considered likely benign or benign based on one or more of the following criteria: it is a conservative change, it occurs at a poorly conserved position in the protein, it is predicted to be benign by multiple in silico algorithms, and/or has population frequency not consistent with disease.

Breakthrough Genomics
Classification: Likely benign. Review status: criteria provided, single submitter. Criteria: ACMG Guidelines, 2015. Collection method: not provided. Allele origin: germline. Inheritance: Autosomal recessive inheritance. Affected: yes.